The following is an entry in ClinVar:

ClinVar aggregate classification (germline): Conflicting classifications of pathogenicity. Review status: criteria provided, conflicting classifications (1 of 4 stars). 6 submissions from 6 submitters: Uncertain significance (5); Likely benign (1). Last evaluated 2025-10-13.

Conditions:
Hereditary breast ovarian cancer syndrome. Also called: Hereditary breast and/or ovarian cancer syndrome; BRCA1- and BRCA2-Associated Hereditary Breast and Ovarian Cancer; Breast and ovarian cancer; Hereditary breast and ovarian cancer; Hereditary breast and ovarian cancer syndrome; Hereditary breast and ovarian cancer syndrome (HBOC). Identifiers: Orphanet 145, MedGen C0677776, MeSH D061325, MONDO:0003582. Disease mechanism: loss of function.
BRCA2-related cancer predisposition. Identifiers: MedGen CN377758, MONDO:0700269.
Hereditary cancer-predisposing syndrome. Also called: Hereditary neoplastic syndrome; Tumor predisposition; Hereditary Cancer Syndrome; Neoplastic Syndromes, Hereditary. Identifiers: Orphanet 140162, MedGen C0027672, MeSH D009386, MONDO:0015356.

Allele frequency attached by ClinVar (database versions not stated): ExAC 0.00001.
gnomAD v4.1: 3 of 1,614,082 alleles (0.00019%); highest among the groups gnomAD compares: Non-Finnish European, 0.00025%; no homozygotes.

Submissions (6):

Labcorp Genetics (formerly Invitae), Labcorp
Classification: Uncertain significance for Hereditary breast ovarian cancer syndrome. Last evaluated: 2025-10-13. Review status: criteria provided, single submitter. Criteria: Invitae Variant Classification Sherloc (09022015). Collection method: clinical testing. Allele origin: germline.
Comment: This sequence change replaces valine, which is neutral and non-polar, with alanine, which is neutral and non-polar, at codon 1166 of the BRCA2 protein (p.Val1166Ala). This variant is present in population databases (rs762886975, gnomAD 0.0009%). This missense change has been observed in individual(s) with prostate cancer (PMID: 25111659). ClinVar contains an entry for this variant (Variation ID: 491244). Invitae Evidence Modeling of protein sequence and biophysical properties (such as structural, functional, and spatial information, amino acid conservation, physicochemical variation, residue mobility, and thermodynamic stability) indicates that this missense variant is not expected to disrupt BRCA2 protein function with a negative predictive value of 95%. In summary, the available evidence is currently insufficient to determine the role of this variant in disease. Therefore, it has been classified as a Variant of Uncertain Significance.

All of Us Research Program, National Institutes of Health
Classification: Uncertain significance for BRCA2-related cancer predisposition. Last evaluated: 2024-07-20. Review status: criteria provided, single submitter. Criteria: ACMG Guidelines, 2015. Collection method: clinical testing. Allele origin: germline. Inheritance: Autosomal dominant inheritance. Observed: 2 variant alleles, 2 heterozygotes.
Comment: This missense variant replaces valine with alanine at codon 1166 of the BRCA2 protein. Computational prediction suggests that this variant may not impact protein structure and function. To our knowledge, functional studies have not been reported for this variant. This variant has been reported in a family with a history of prostate cancer (PMID: 25111659). This variant has been identified in 1/250862 chromosomes in the general population by the Genome Aggregation Database (gnomAD). The available evidence is insufficient to determine the role of this variant in disease conclusively. Therefore, this variant is classified as a Variant of Uncertain Significance.

This study involves interpretation of variants in research participants for the purpose of population health screening. Participant phenotype was not available at the time of variant classification. Additional details can be found in publication PMID: 35346344, PMCID: PMC8962531

Color Diagnostics, LLC DBA Color Health
Classification: Uncertain significance for Hereditary cancer-predisposing syndrome. Last evaluated: 2024-07-10. Review status: criteria provided, single submitter. Criteria: ACMG Guidelines, 2015. Collection method: clinical testing. Allele origin: germline.
Comment: This missense variant replaces valine with alanine at codon 1166 of the BRCA2 protein. Computational prediction suggests that this variant may not impact protein structure and function. To our knowledge, functional studies have not been reported for this variant. This variant has been reported in a family with a history of prostate cancer (PMID: 25111659). This variant has been identified in 1/250862 chromosomes in the general population by the Genome Aggregation Database (gnomAD). The available evidence is insufficient to determine the role of this variant in disease conclusively. Therefore, this variant is classified as a Variant of Uncertain Significance.

University of Washington Department of Laboratory Medicine, University of Washington
Classification: Likely benign for Hereditary cancer-predisposing syndrome. Last evaluated: 2023-03-23. Review status: criteria provided, single submitter. Criteria: Dines et al. (Genet Med. 2020). Collection method: curation. Allele origin: germline.
Comment: Missense variant in a coldspot region where missense variants are very unlikely to be pathogenic (PMID:31911673).

BRCA2 exon 11 coldspot. Reclassification based on statistical prior probability.

Institute for Clinical Genetics, University Hospital TU Dresden, University Hospital TU Dresden
Classification: Uncertain significance. Last evaluated: 2021-11-03. Review status: criteria provided, single submitter. Criteria: ACMG Guidelines, 2015. Collection method: clinical testing. Allele origin: germline.

Ambry Genetics
Classification: Uncertain significance for Hereditary cancer-predisposing syndrome. Last evaluated: 2021-05-26. Review status: criteria provided, single submitter. Criteria: Ambry Variant Classification Scheme 2023. Collection method: clinical testing. Allele origin: germline.

Literature cited by the submitters: PubMed 25111659 (cited by 3 submitters).

NM_000059.4(BRCA2):c.3497T>C (p.Val1166Ala)

Gene: BRCA2 (BRCA2 DNA repair associated; plus strand). Cytogenetic location: 13q13.1.
Variant type: single nucleotide variant.
Coding change: c.3497T>C on transcript NM_000059.4 (MANE Select); coding-DNA position 3497, T replaced by C.
Protein change: p.Val1166Ala; replaces valine 1166 with alanine.
Molecular consequence: missense variant.
Genome position (GRCh38, 1-based): chr13:32,337,852, T>C. VCF-style: chr13-32337852-T-C. GRCh37 (hg19) VCF-style: chr13-32911989-T-C.
Other names: short protein forms V1166A.
Identifiers: ClinVar variation 491244 (VCV000491244.37), dbSNP rs762886975, ClinGen allele CA6940701.